The following is an entry in ClinVar:

NM_001375912.1(ZNF532):c.660C>T (p.Val220=)

Gene: ZNF532 (zinc finger protein 532; plus strand). Cytogenetic location: 18q21.32.
Variant type: single nucleotide variant.
Coding change: c.660C>T on transcript NM_001375912.1 (MANE Select); coding-DNA position 660, C replaced by T.
Protein change: p.Val220=; no amino-acid change (valine 220 retained).
Molecular consequence: synonymous variant. On other transcripts: non-coding transcript variant (2).
Genome position (GRCh38, 1-based): chr18:58,918,947, C>T. VCF-style: chr18-58918947-C-T. GRCh37 (hg19) VCF-style: chr18-56586179-C-T.
Other names: c.660C>T, p.Val220= (NM_001318726.2, NM_001318727.2, NM_001318728.2 and 16 more transcripts).
Identifiers: ClinVar variation 2648765 (VCV002648765.24), dbSNP rs149335742, ClinGen allele CA8978249.

ClinVar aggregate classification (germline): Likely benign (1 of 4 stars; one submission).

Allele frequency attached by ClinVar (database versions not stated): 1000 Genomes Project 0.00100; TOPMed 0.00106; gnomAD 0.00119; ESP Exome Variant Server 0.00154; ExAC 0.00167; gnomAD exomes 0.00188; 1000 Genomes Project 30x 0.00078.
gnomAD v4.1: 2,949 of 1,613,794 alleles (0.18%); highest among the groups gnomAD compares: Non-Finnish European, 0.21%; 3 homozygotes.

Submission:

CeGaT Center for Human Genetics Tuebingen
Classification: Likely benign. Last evaluated: 2022-08-01. Review status: criteria provided, single submitter. Criteria: CeGaT Center For Human Genetics Tuebingen Variant Classification Criteria Version 2. Collection method: clinical testing. Allele origin: germline. Affected: yes. Observed: 2 variant alleles.
Comment: ZNF532: BP4, BP7